The following is an entry in ClinVar:

ClinVar aggregate classification (germline): Uncertain significance (1 of 4 stars; one submission).

Allele frequency attached by ClinVar (database versions not stated): gnomAD exomes below 0.00001.
gnomAD v4.1: 1 of 1,612,380 alleles (0.000062%); highest among the groups gnomAD compares: Non-Finnish European, 0.000085%; no homozygotes.

Submission:

Labcorp Genetics (formerly Invitae), Labcorp
Classification: Uncertain significance. Last evaluated: 2022-04-23. Review status: criteria provided, single submitter. Criteria: Invitae Variant Classification Sherloc (09022015). Collection method: clinical testing. Allele origin: germline.
Comment: In summary, the available evidence is currently insufficient to determine the role of this variant in disease. Therefore, it has been classified as a Variant of Uncertain Significance. Algorithms developed to predict the effect of sequence changes on RNA splicing suggest that this variant may create or strengthen a splice site. This variant has not been reported in the literature in individuals affected with PDSS1-related conditions. This variant is not present in population databases (gnomAD no frequency). This sequence change falls in intron 5 of the PDSS1 gene. It does not directly change the encoded amino acid sequence of the PDSS1 protein.

NM_014317.5(PDSS1):c.468-15C>T

Gene: PDSS1 (decaprenyl diphosphate synthase subunit 1; plus strand). Cytogenetic location: 10p12.1.
Variant type: single nucleotide variant.
Coding change: c.468-15C>T on transcript NM_014317.5 (MANE Select); 15 bases into the intron before coding-DNA position 468, C replaced by T.
Molecular consequence: intron variant. On other transcripts: 5 prime UTR variant (1).
Genome position (GRCh38, 1-based): chr10:26,720,203, C>T. VCF-style: chr10-26720203-C-T. GRCh37 (hg19) VCF-style: chr10-27009132-C-T.
Other names: c.-58C>T (NM_001321979.2); c.468-15C>T (NM_001321978.2).
Identifiers: ClinVar variation 2135891 (VCV002135891.4), dbSNP rs2491570048, ClinGen allele CA2580081410.
Genomic context (GRCh38, chr10:26,720,203, plus strand): 5'-TCCAGTTTTCACAAGCTGATTGCTGAGAAGGTTCTAGGCGGCGTCTGTTAAAAAGCATTG[C>T]TTTCTGTTAATTAGACATGTGCAAGCCAGCCAGCGCGCCATAGCCTTAATTGCAGAAATG-3'